The following is an entry in ClinVar:

NM_000057.4(BLM):c.3388A>T (p.Ile1130Leu)

Gene: BLM (BLM RecQ like helicase; plus strand). Cytogenetic location: 15q26.1.
Variant type: single nucleotide variant.
Coding change: c.3388A>T on transcript NM_000057.4 (MANE Select); coding-DNA position 3388, A replaced by T.
Protein change: p.Ile1130Leu; replaces isoleucine 1130 with leucine.
Molecular consequence: missense variant. On other transcripts: intron variant (1).
Genome position (GRCh38, 1-based): chr15:90,803,550, A>T. VCF-style: chr15-90803550-A-T. GRCh37 (hg19) VCF-style: chr15-91346780-A-T.
Other names: c.3388A>T, p.Ile1130Leu (NM_001287246.2); c.2263A>T, p.Ile755Leu (NM_001287248.2); c.3358+5213A>T (NM_001287247.2); short protein forms I1130L, I755L.
Identifiers: ClinVar variation 2061471 (VCV002061471.4), dbSNP rs1897213239, ClinGen allele CA393847489.

ClinVar aggregate classification (germline): Uncertain significance (1 of 4 stars; one submission).

Conditions:
Bloom syndrome (BLM). Also called: Bloom-Torre-Machacek syndrome. Identifiers: Orphanet 125, MedGen C0005859, MONDO:0008876, OMIM 210900.

gnomAD v4.1: 1 of 1,613,902 alleles (0.000062%); highest among the groups gnomAD compares: African/African-American, 0.0013%; no homozygotes.

Submission:

Labcorp Genetics (formerly Invitae), Labcorp
Classification: Uncertain significance for Bloom syndrome. Last evaluated: 2022-09-27. Review status: criteria provided, single submitter. Criteria: Invitae Variant Classification Sherloc (09022015). Collection method: clinical testing. Allele origin: germline.
Comment: This variant has not been reported in the literature in individuals affected with BLM-related conditions. Advanced modeling of protein sequence and biophysical properties (such as structural, functional, and spatial information, amino acid conservation, physicochemical variation, residue mobility, and thermodynamic stability) performed at Invitae indicates that this missense variant is not expected to disrupt BLM protein function. In summary, the available evidence is currently insufficient to determine the role of this variant in disease. Therefore, it has been classified as a Variant of Uncertain Significance. This variant is not present in population databases (gnomAD no frequency). This sequence change replaces isoleucine, which is neutral and non-polar, with leucine, which is neutral and non-polar, at codon 1130 of the BLM protein (p.Ile1130Leu).